The following is an entry in ClinVar:

NM_001009999.3(KDM1A):c.47C>A (p.Ala16Glu)

Gene: KDM1A (lysine demethylase 1A; plus strand). Cytogenetic location: 1p36.12.
Variant type: single nucleotide variant.
Coding change: c.47C>A on transcript NM_001009999.3 (MANE Select); coding-DNA position 47, C replaced by A.
Protein change: p.Ala16Glu; replaces alanine 16 with glutamic acid.
Molecular consequence: missense variant.
Genome position (GRCh38, 1-based): chr1:23,019,643, C>A. VCF-style: chr1-23019643-C-A. GRCh37 (hg19) VCF-style: chr1-23346136-C-A.
Other names: c.47C>A, p.Ala16Glu (NM_001363654.2, NM_001410762.1, NM_001410763.1 and 1 more transcripts); short protein forms A16E.
Identifiers: ClinVar variation 4841916 (VCV004841916.1).
Genomic context (GRCh38, chr1:23,019,643, plus strand): 5'-CCCGGCGGCCCGAGATGTTATCTGGGAAGAAGGCGGCAGCCGCGGCGGCGGCGGCTGCAG[C>A]GGCAGCAACCGGGACGGAGGCTGGCCCTGGGACAGCAGGCGGCTCCGAGAACGGGTCTGA-3'
Protein context (NP_001009999.1, residues 6-26): KAAAAAAAAA[Ala16Glu]AATGTEAGPG

ClinVar aggregate classification (germline): Uncertain significance (1 of 4 stars; one submission).

Conditions:
Inborn genetic diseases. Identifiers: MedGen C0950123, MeSH D030342.

Submission:

Ambry Genetics
Classification: Uncertain significance for Inborn genetic diseases. Last evaluated: 2026-01-06. Review status: criteria provided, single submitter. Criteria: Ambry Variant Classification Scheme 2023. Collection method: clinical testing. Allele origin: germline.
Comment: The p.A16E variant (also known as c.47C>A), located in coding exon 1 of the KDM1A gene, results from a C to A substitution at nucleotide position 47. The alanine at codon 16 is replaced by glutamic acid, an amino acid with dissimilar properties. This amino acid position is conserved. In addition, this alteration is predicted to be tolerated by in silico analysis. Based on the available evidence, the clinical significance of this variant remains unclear.